The following is an entry in ClinVar:

NM_001378454.1(ALMS1):c.7225A>G (p.Thr2409Ala)

Gene: ALMS1 (ALMS1 centrosome and basal body associated protein; plus strand). Cytogenetic location: 2p13.1.
Variant type: single nucleotide variant.
Coding change: c.7225A>G on transcript NM_001378454.1 (MANE Select); coding-DNA position 7225, A replaced by G.
Protein change: p.Thr2409Ala; replaces threonine 2409 with alanine.
Molecular consequence: missense variant.
Genome position (GRCh38, 1-based): chr2:73,453,752, A>G. VCF-style: chr2-73453752-A-G. GRCh37 (hg19) VCF-style: chr2-73680879-A-G.
Other names: c.7228A>G, p.Thr2410Ala (NM_015120.4); short protein forms T2409A, T2410A.
Identifiers: ClinVar variation 4992773 (VCV004992773.1).

ClinVar aggregate classification (germline): Uncertain significance (1 of 4 stars; one submission).

Conditions:
ALMS1-related disorder. Also called: ALMS1-related condition.

Submission:

PreventionGenetics, part of Exact Sciences
Classification: Uncertain significance for ALMS1-related condition. Last evaluated: 2026-06-08. Review status: criteria provided, single submitter. Criteria: ACMG Guidelines, 2015. Collection method: clinical testing. Allele origin: germline.
Comment: The ALMS1 c.7228A>G variant is predicted to result in the amino acid substitution p.Ile2410Val. To our knowledge, this variant has not been reported in the literature or in a large population database (gnomAD), indicating this variant is rare. At this time, the clinical significance of this variant is uncertain due to the absence of conclusive functional and genetic evidence.